The following is an entry in ClinVar:

ClinVar aggregate classification (germline): Uncertain significance. Review status: criteria provided, multiple submitters, no conflicts (2 of 4 stars). 2 submissions from 2 submitters: Uncertain significance (2). Last evaluated 2025-10-27.

Conditions:
Dyskeratosis congenita. Identifiers: Orphanet 1775, MedGen C0265965, MONDO:0015780.
Idiopathic Pulmonary Fibrosis. Also called: Idiopathic fibrosing alveolitis, chronic form; idiopathic fibrosing alveolitis. Identifiers: Orphanet 2032, MedGen C1800706, MeSH D054990, MONDO:0800504.
Dyskeratosis congenita, autosomal dominant 2. Identifiers: MedGen C3151443, MONDO:0013521, OMIM 613989.

Allele frequency attached by ClinVar (database versions not stated): gnomAD 0.00001.

Submissions (2):

Labcorp Genetics (formerly Invitae), Labcorp
Classification: Uncertain significance for Dyskeratosis congenita, autosomal dominant 2; Idiopathic Pulmonary Fibrosis. Last evaluated: 2025-10-27. Review status: criteria provided, single submitter. Criteria: Invitae Variant Classification Sherloc (09022015). Collection method: clinical testing. Allele origin: germline.
Comment: This sequence change replaces alanine, which is neutral and non-polar, with valine, which is neutral and non-polar, at codon 418 of the TERT protein (p.Ala418Val). This variant is not present in population databases (gnomAD no frequency). This variant has not been reported in the literature in individuals affected with TERT-related conditions. ClinVar contains an entry for this variant (Variation ID: 952722). Invitae Evidence Modeling of protein sequence and biophysical properties (such as structural, functional, and spatial information, amino acid conservation, physicochemical variation, residue mobility, and thermodynamic stability) indicates that this missense variant is not expected to disrupt TERT protein function with a negative predictive value of 95%. In summary, the available evidence is currently insufficient to determine the role of this variant in disease. Therefore, it has been classified as a Variant of Uncertain Significance.

Ambry Genetics
Classification: Uncertain significance for Dyskeratosis congenita. Last evaluated: 2023-02-18. Review status: criteria provided, single submitter. Criteria: Ambry Variant Classification Scheme 2023. Collection method: clinical testing. Allele origin: germline.
Comment: The p.A418V variant (also known as c.1253C>T), located in coding exon 2 of the TERT gene, results from a C to T substitution at nucleotide position 1253. The alanine at codon 418 is replaced by valine, an amino acid with similar properties. This amino acid position is conserved. In addition, this alteration is predicted to be tolerated by in silico analysis. Since supporting evidence is limited at this time, the clinical significance of this alteration remains unclear.

NM_198253.3(TERT):c.1253C>T (p.Ala418Val)

Gene: TERT (telomerase reverse transcriptase; minus strand). Cytogenetic location: 5p15.33.
Variant type: single nucleotide variant.
Coding change: c.1253C>T on transcript NM_198253.3 (MANE Select); coding-DNA position 1253, C replaced by T.
Protein change: p.Ala418Val; replaces alanine 418 with valine.
Molecular consequence: missense variant. On other transcripts: non-coding transcript variant (2).
Genome position (GRCh38, 1-based): chr5:1,293,633, G>A on the plus strand (C>T on the coding strand, the complement: TERT is on the minus strand). VCF-style: chr5-1293633-G-A. GRCh37 (hg19) VCF-style: chr5-1293748-G-A.
Other names: c.1253C>T, p.Ala418Val (NM_001193376.3); short protein forms A418V.
Identifiers: ClinVar variation 952722 (VCV000952722.12), dbSNP rs1561213598, ClinGen allele CA359086429.